The following is an entry in ClinVar:

NM_005359.6(SMAD4):c.1176dup (p.Gly393fs)

Gene: SMAD4 (SMAD family member 4; plus strand). Cytogenetic location: 18q21.2.
Variant type: Duplication.
Coding change: c.1176dup on transcript NM_005359.6 (MANE Select); coding-DNA position 1176, one base duplicated (A; older notation c.1176dupA).
Protein change: p.Gly393fs; shifts the reading frame from glycine 393.
Molecular consequence: frameshift variant.
Genome position (GRCh38, 1-based): chr18:51,067,055, A duplicated; the last of 3 consecutive A bases (chr18:51,067,053-51,067,055); duplicating any one gives the same sequence. VCF-style (leftmost placement, unchanged base first): chr18-51067052-T-TA. GRCh37 (hg19) VCF-style: chr18-48593422-T-TA.
Other names: c.1176dupA (NM_005359.5); short protein forms G393fs.
Identifiers: ClinVar variation 1458397 (VCV001458397.7), dbSNP rs2144451929, ClinGen allele CA2573155363.

ClinVar aggregate classification (germline): Pathogenic. Review status: criteria provided, multiple submitters, no conflicts (2 of 4 stars). 2 submissions from 2 submitters: Pathogenic (2). Last evaluated 2024-01-26.

Conditions:
Juvenile polyposis syndrome (JPS). Identifiers: Orphanet 2929, MedGen C0345893, MONDO:0017380, OMIM 174900.
Familial thoracic aortic aneurysm and aortic dissection (TAAD). Also called: Thoracic aortic aneurysms and dissections. Identifiers: Orphanet 91387, MedGen C4707243, MONDO:0019625.
Hereditary cancer-predisposing syndrome. Also called: Hereditary Cancer Syndrome; Hereditary neoplastic syndrome; Tumor predisposition; Neoplastic Syndromes, Hereditary. Identifiers: Orphanet 140162, MedGen C0027672, MeSH D009386, MONDO:0015356.

Submissions (2):

Ambry Genetics
Classification: Pathogenic for Hereditary cancer-predisposing syndrome; Familial thoracic aortic aneurysm and aortic dissection. Last evaluated: 2024-01-26. Review status: criteria provided, single submitter. Criteria: Ambry Variant Classification Scheme 2023. Collection method: clinical testing. Allele origin: germline.
Comment: The c.1176dupA pathogenic mutation, located in coding exon 9 of the SMAD4 gene, results from a duplication of A at nucleotide position 1176, causing a translational frameshift with a predicted alternate stop codon (p.G393Rfs*2). This alteration is expected to result in loss of function by premature protein truncation or nonsense-mediated mRNA decay. This variant is considered to be rare based on population cohorts in the Genome Aggregation Database (gnomAD). As such, this alteration is interpreted as a disease-causing mutation.

Labcorp Genetics (formerly Invitae), Labcorp
Classification: Pathogenic for Juvenile polyposis syndrome. Last evaluated: 2021-08-13. Review status: criteria provided, single submitter. Criteria: Invitae Variant Classification Sherloc (09022015). Collection method: clinical testing. Allele origin: germline.
Comment: For these reasons, this variant has been classified as Pathogenic. This variant has not been reported in the literature in individuals affected with SMAD4-related conditions. This variant is not present in population databases (ExAC no frequency). This sequence change creates a premature translational stop signal (p.Gly393Argfs*2) in the SMAD4 gene. It is expected to result in an absent or disrupted protein product. Loss-of-function variants in SMAD4 are known to be pathogenic (PMID: 16152648, 16436638, 22810475).

Literature cited by the submitters: PubMed 16152648 (cited by Labcorp Genetics (formerly Invitae), Labcorp); PubMed 16436638 (cited by Labcorp Genetics (formerly Invitae), Labcorp); PubMed 22810475 (cited by Labcorp Genetics (formerly Invitae), Labcorp).